The following is an entry in ClinVar:

NM_003628.6(PKP4):c.3253C>T (p.Pro1085Ser)

Genes: PKP4 (plakophilin 4; plus strand), PKP4-AS1 (PKP4 antisense RNA 1; minus strand). Cytogenetic location: 2q24.1.
Variant type: single nucleotide variant.
Coding change: c.3253C>T on transcript NM_003628.6 (MANE Select); coding-DNA position 3253, C replaced by T.
Protein change: p.Pro1085Ser; replaces proline 1085 with serine.
Molecular consequence: missense variant. On other transcripts: intron variant (3).
Genome position (GRCh38, 1-based): chr2:158,676,864, C>T. VCF-style: chr2-158676864-C-T. GRCh37 (hg19) VCF-style: chr2-159533376-C-T.
Other names: c.3250C>T, p.Pro1084Ser (NM_001304969.3, NM_001377219.1, NM_001377220.1 and 1 more transcripts); c.2224C>T, p.Pro742Ser (NM_001304970.3); c.3253C>T, p.Pro1085Ser (NM_001377218.1); c.3247C>T, p.Pro1083Ser (NM_001377222.1, NM_001377223.1); c.3244C>T, p.Pro1082Ser (NM_001377224.1); c.3128-1717C>T (NM_001005476.4, NM_001377225.1); c.3125-1717C>T (NM_001377226.1); short protein forms P1082S, P1083S, P1085S, P1084S, P742S.
Identifiers: ClinVar variation 2563017 (VCV002563017.2), dbSNP rs772214242, ClinGen allele CA1921253.

ClinVar aggregate classification (germline): Uncertain significance (1 of 4 stars; one submission).

Allele frequency attached by ClinVar (database versions not stated): gnomAD 0.00001; TOPMed 0.00001; ExAC 0.00002; gnomAD exomes 0.00003.
gnomAD v4.1: 45 of 1,613,902 alleles (0.0028%); highest among the groups gnomAD compares: Non-Finnish European, 0.0036%; no homozygotes.

Submission:

Ambry Genetics
Classification: Uncertain significance. Last evaluated: 2023-05-25. Review status: criteria provided, single submitter. Criteria: Ambry Variant Classification Scheme 2023. Collection method: clinical testing. Allele origin: germline.
Comment: The p.P1085S variant (also known as c.3253C>T), located in coding exon 19 of the PKP4 gene, results from a C to T substitution at nucleotide position 3253. The proline at codon 1085 is replaced by serine, an amino acid with similar properties. This amino acid position is conserved. In addition, this alteration is predicted to be tolerated by in silico analysis. Since supporting evidence is limited at this time, the clinical significance of this alteration remains unclear.